The following is an entry in ClinVar:

ClinVar aggregate classification (germline): Likely benign (0 of 4 stars; one submission).

Conditions:
CRYZ-related disorder. Also called: CRYZ-related condition.

Allele frequency attached by ClinVar (database versions not stated): gnomAD exomes 0.00006; ExAC 0.00021; ESP Exome Variant Server 0.00069; TOPMed 0.00071; gnomAD 0.00072; 1000 Genomes Project 30x 0.00094; 1000 Genomes Project 0.00100.
gnomAD v4.1: 193 of 1,593,150 alleles (0.012%); highest among the groups gnomAD compares: African/African-American, 0.24%; 1 homozygote.

Submission:

PreventionGenetics, part of Exact Sciences
Classification: Likely benign for CRYZ-related condition. Last evaluated: 2022-05-17. Review status: no assertion criteria provided. Collection method: clinical testing. Allele origin: germline.
Comment: This variant is classified as likely benign based on ACMG/AMP sequence variant interpretation guidelines (Richards et al. 2015 PMID: 25741868, with internal and published modifications).

NM_001889.4(CRYZ):c.839A>G (p.Gln280Arg)

Gene: CRYZ (crystallin zeta; minus strand). Cytogenetic location: 1p31.1.
Variant type: single nucleotide variant.
Coding change: c.839A>G on transcript NM_001889.4 (MANE Select); coding-DNA position 839, A replaced by G.
Protein change: p.Gln280Arg; replaces glutamine 280 with arginine.
Molecular consequence: missense variant.
Genome position (GRCh38, 1-based): chr1:74,706,447, T>C on the plus strand (A>G on the coding strand, the complement: CRYZ is on the minus strand). VCF-style: chr1-74706447-T-C. GRCh37 (hg19) VCF-style: chr1-75172131-T-C.
Other names: c.839A>G, p.Gln280Arg (NM_001130042.2); c.737A>G, p.Gln246Arg (NM_001130043.2); c.428A>G, p.Gln143Arg (NM_001134759.2); short protein forms Q143R, Q246R, Q280R.
Identifiers: ClinVar variation 3038572 (VCV003038572.2), dbSNP rs141077517, ClinGen allele CA911186.
Genomic context (GRCh38, chr1:74,706,447, plus strand): 5'-CCTATCACAGGTTTCAACCAGCCAATTTCCATTCCAGCTTGAAGGGCTGCTGCATATTGC[T>C]GAAATTCCTCCTAAGAAAAGGAAAAACAAATTTCTTTTTGTAGTGAACCGTATGATTTAA-3'
Protein context (NP_001880.2, residues 270-290): TLFSSTKEEF[Gln280Arg]QYAAALQAGM